The following is an entry in ClinVar:

NM_000557.5(GDF5):c.1199G>A (p.Cys400Tyr)

Genes: GDF5 (growth differentiation factor 5; minus strand), GDF5-AS1 (GDF5 antisense RNA 1; plus strand). Cytogenetic location: 20q11.22.
Variant type: single nucleotide variant.
Coding change: c.1199G>A on transcript NM_000557.5 (MANE Select); coding-DNA position 1199, G replaced by A.
Protein change: p.Cys400Tyr; replaces cysteine 400 with tyrosine.
Molecular consequence: missense variant. On other transcripts: non-coding transcript variant (1).
Genome position (GRCh38, 1-based): chr20:35,434,216, C>T on the plus strand (G>A on the coding strand, the complement: GDF5 is on the minus strand). VCF-style: chr20-35434216-C-T. GRCh37 (hg19) VCF-style: chr20-34022014-C-T.
Other names: c.1199G>A, p.Cys400Tyr (NM_001319138.2); short protein forms C400Y.
Identifiers: ClinVar variation 8379 (VCV000008379.6), dbSNP rs74315387, ClinGen allele CA119563.

ClinVar aggregate classification (germline): Likely pathogenic. Review status: criteria provided, multiple submitters, no conflicts (2 of 4 stars). 4 submissions from 4 submitters: Likely pathogenic (3). 1 of the submissions does not count toward it. Last evaluated 2026-03-14.

Conditions:
Brachydactyly type A1C. Also called: Brachydactyly, type a1, c. Identifiers: Orphanet 93388, MedGen C3554446, MONDO:0014032, OMIM 615072.
Grebe syndrome. Also called: ACROMESOMELIC DYSPLASIA, GREBE TYPE; GREBE DYSPLASIA; ACROMESOMELIC DYSPLASIA 2A. Identifiers: Orphanet 2098, MedGen C0265260, MONDO:0008703, OMIM 200700.

Allele frequency attached by ClinVar (database versions not stated): TOPMed 0.00001.

Submissions (4):

Dasa
Classification: Likely pathogenic. Last evaluated: 2026-03-14. Review status: criteria provided, single submitter. Criteria: DASA Assertion Criteria. Collection method: clinical testing. Allele origin: germline.
Comment: NM_000557.5(GDF5):c.1199G>A (p.Cys400Tyr) is a missense variant that results in the substitution of cysteine with tyrosine. The affected residue or protein region has prior evidence supporting clinical relevance. Segregation evidence has been reported in affected families. Functional evidence supports a deleterious effect on the gene or gene product (PMID: 9288098). This variant has been reported in individuals with related phenotype (PMID: 9288098). Multiple computational predictions support a deleterious effect on the gene or gene product. The variant is present at low frequency in population datasets. Based on the available data, this variant is classified as likely pathogenic.

3billion
Classification: Likely pathogenic for Grebe syndrome. Last evaluated: 2024-08-21. Review status: criteria provided, single submitter. Criteria: ACMG Guidelines, 2015. Collection method: clinical testing. Allele origin: germline. Affected: yes.
Comment: The variant is not observed in the gnomAD v4.0.0 dataset. Predicted Consequence/Location: Missense variant Functional studies provide supporting evidence of the variant having a damaging effect on the gene or gene product (PMID: 9288098). In silico tool predictions suggest damaging effect of the variant on gene or gene product [REVEL: 0.99 (>=0.6, sensitivity 0.68 and specificity 0.92); 3Cnet: 0.84 (>=0.6, sensitivity 0.72 and precision 0.9)]. The same nucleotide change resulting in the same amino acid change has been previously reported to be associated with GDF5 related disorder (ClinVar ID: VCV000008379 /PMID: 9288098).The variant has been reported to co-segregate with the disease in at least one similarly affected relative/individual in the same family or similarly affected unrelated family (PMID: 9288098). Therefore, this variant is classified as Likely pathogenic according to the recommendation of ACMG/AMP guideline.

Laboratorio de Genetica e Diagnostico Molecular, Hospital Israelita Albert Einstein
Classification: Likely pathogenic for Brachydactyly type A1C. Last evaluated: 2022-12-16. Review status: criteria provided, single submitter. Criteria: ACMG Guidelines, 2015. Collection method: clinical testing. Allele origin: germline. Affected: yes. Observed: 1 variant allele.
Comment: ACMG classification criteria: PS3 supporting, PM2 moderated, PP1 strong, PP3 supporting

OMIM
Classification: Pathogenic for ACROMESOMELIC DYSPLASIA 2A. Last evaluated: 1997-09-01. Review status: no assertion criteria provided. Collection method: literature only. Allele origin: germline. Not counted in ClinVar's aggregate classification.

Literature cited by the submitters: PubMed 9288098 (cited by 3 submitters).